The following is an entry in ClinVar:

ClinVar aggregate classification (germline): Pathogenic (1 of 4 stars; one submission).

Conditions:
Severe combined immunodeficiency due to IKK2 deficiency. Also called: Immunodeficiency 15; IMMUNODEFICIENCY 15B. Identifiers: Orphanet 397787, MedGen C4747743, MONDO:0014267, OMIM 615592.

Submission:

Labcorp Genetics (formerly Invitae), Labcorp
Classification: Pathogenic for Severe combined immunodeficiency due to IKK2 deficiency. Last evaluated: 2022-08-15. Review status: criteria provided, single submitter. Criteria: Invitae Variant Classification Sherloc (09022015). Collection method: clinical testing. Allele origin: germline.
Comment: This sequence change creates a premature translational stop signal (p.Val643Cysfs*20) in the IKBKB gene. It is expected to result in an absent or disrupted protein product. Loss-of-function variants in IKBKB are known to be pathogenic (PMID: 24369075, 24679846). This variant is present in population databases (no rsID available, gnomAD 0.01%). This variant has not been reported in the literature in individuals affected with IKBKB-related conditions. ClinVar contains an entry for this variant (Variation ID: 1388684). For these reasons, this variant has been classified as Pathogenic.

Literature cited by the submitters: PubMed 24369075; PubMed 24679846.

NM_001556.3(IKBKB):c.1927_1928del (p.Val643fs)

Gene: IKBKB (inhibitor of nuclear factor kappa B kinase subunit beta; plus strand). Cytogenetic location: 8p11.21.
Variant type: Deletion.
Coding change: c.1927_1928del on transcript NM_001556.3 (MANE Select); coding-DNA positions 1927 to 1928, 2 bases deleted (GT; older notation c.1927_1928delGT).
Protein change: p.Val643fs; shifts the reading frame from valine 643.
Molecular consequence: frameshift variant. On other transcripts: non-coding transcript variant (3).
Genome position (GRCh38, 1-based): chr8:42,322,435-42,322,436, GT deleted; deleting any 2 consecutive bases within chr8:42,322,434-42,322,436 gives the same sequence; the c. name uses the placement nearest the transcript's 3' end. VCF-style (leftmost placement, unchanged base first): chr8-42322433-CTG-C. GRCh37 (hg19) VCF-style: chr8-42179951-CTG-C.
Other names: c.1735_1736del, p.Val579fs (NM_001190720.3); c.1750_1751del, p.Val584fs (NM_001242778.2); short protein forms V584fs, V579fs, V643fs.
Identifiers: ClinVar variation 1388684 (VCV001388684.6), dbSNP rs1205793780, ClinGen allele CA581596951.
Genomic context (GRCh38, chr8:42,322,433, plus strand): 5'-CGCTGGAACTGTTGCCCAAGGTGGAAGAGGTGGTGAGCTTAATGAATGAGGATGAGAAGA[CTG>C]TTGTCCGGCTGCAGGAGAAGCGGCAGAAGGAGCTCTGGAATCTCCTGAAGATTGCTTGTG-3'